The following is an entry in ClinVar:

ClinVar aggregate classification (germline): Uncertain significance (1 of 4 stars; one submission).

Conditions:
Hereditary cancer-predisposing syndrome. Also called: Neoplastic Syndromes, Hereditary; Tumor predisposition; Hereditary Cancer Syndrome; Hereditary neoplastic syndrome. Identifiers: Orphanet 140162, MedGen C0027672, MeSH D009386, MONDO:0015356.

Submission:

Ambry Genetics
Classification: Uncertain significance for Hereditary cancer-predisposing syndrome. Last evaluated: 2026-06-02. Review status: criteria provided, single submitter. Criteria: Ambry Variant Classification Scheme 2023. Collection method: clinical testing. Allele origin: germline.
Comment: The c.2324-5T>C intronic variant results from a T to C substitution 5 nucleotides upstream from coding exon 16 in the PDGFRA gene. This nucleotide position is not well conserved in available vertebrate species. In silico splice site analysis predicts that this alteration will not have any significant effect on splicing. Based on the available evidence, the clinical significance of this variant remains unclear.

NM_006206.6(PDGFRA):c.2324-5T>C

Gene: PDGFRA (platelet derived growth factor receptor alpha; plus strand). Cytogenetic location: 4q12.
Variant type: single nucleotide variant.
Coding change: c.2324-5T>C on transcript NM_006206.6 (MANE Select); 5 bases into the intron before coding-DNA position 2324, T replaced by C.
Molecular consequence: intron variant.
Genome position (GRCh38, 1-based): chr4:54,285,366, T>C. VCF-style: chr4-54285366-T-C. GRCh37 (hg19) VCF-style: chr4-55151533-T-C.
Other names: c.2399-5T>C (NM_001347828.2); c.2324-5T>C (NM_001347829.2); c.2363-5T>C (NM_001347830.2).
Identifiers: ClinVar variation 4861752 (VCV004861752.1).